The following is an entry in ClinVar:

ClinVar aggregate classification (germline): Uncertain significance (1 of 4 stars; one submission).

Submission:

Labcorp Genetics (formerly Invitae), Labcorp
Classification: Uncertain significance. Last evaluated: 2023-03-08. Review status: criteria provided, single submitter. Criteria: Invitae Variant Classification Sherloc (09022015). Collection method: clinical testing. Allele origin: germline.
Comment: In summary, the available evidence is currently insufficient to determine the role of this variant in disease. Therefore, it has been classified as a Variant of Uncertain Significance. An algorithm developed to predict the effect of missense changes on protein structure and function (PolyPhen-2) suggests that this variant is likely to be disruptive. This variant has not been reported in the literature in individuals affected with CACNA2D4-related conditions. This variant is not present in population databases (gnomAD no frequency). This sequence change replaces phenylalanine, which is neutral and non-polar, with serine, which is neutral and polar, at codon 274 of the CACNA2D4 protein (p.Phe274Ser).

NM_172364.5(CACNA2D4):c.821T>C (p.Phe274Ser)

Gene: CACNA2D4 (calcium voltage-gated channel auxiliary subunit alpha2delta 4; minus strand). Cytogenetic location: 12p13.33.
Variant type: single nucleotide variant.
Coding change: c.821T>C on transcript NM_172364.5 (MANE Select); coding-DNA position 821, T replaced by C.
Protein change: p.Phe274Ser; replaces phenylalanine 274 with serine.
Molecular consequence: missense variant.
Genome position (GRCh38, 1-based): chr12:1,887,030, A>G on the plus strand (T>C on the coding strand, the complement: CACNA2D4 is on the minus strand). VCF-style: chr12-1887030-A-G. GRCh37 (hg19) VCF-style: chr12-1996196-A-G.
Other names: short protein forms F274S.
Identifiers: ClinVar variation 2795979 (VCV002795979.3), dbSNP rs2497252957, ClinGen allele CA383361412.